The following is an entry in ClinVar:

NM_007294.4(BRCA1):c.4359del (p.Val1454fs)

Gene: BRCA1 (BRCA1 DNA repair associated; minus strand). Cytogenetic location: 17q21.31.
Variant type: Deletion.
Coding change: c.4359del on transcript NM_007294.4 (MANE Select); coding-DNA position 4359, one base deleted (A; older notation c.4359delA).
Protein change: p.Val1454fs; shifts the reading frame from valine 1454.
Molecular consequence: frameshift variant. On other transcripts: splice acceptor variant (135), intron variant (3).
Genome position (GRCh38, 1-based): chr17:43,076,613, T deleted on the plus strand (A on the coding strand, the reverse complement: BRCA1 is on the minus strand). VCF-style (leftmost placement, unchanged base first): chr17-43076612-CT-C. GRCh37 (hg19) VCF-style: chr17-41228629-CT-C.
Other names: c.1044del, p.Val349fs (NM_001408400.1, NM_001408402.1, NM_001408401.1); c.1041del, p.Val348fs (NM_001408406.1, NM_001408408.1); c.4146del, p.Val1383fs (NM_001407571.1, NM_001407894.1, NM_001407895.1 and 8 more transcripts); c.4425del, p.Val1476fs (NM_001407581.1, NM_001407582.1); c.4422del, p.Val1475fs (NM_001407587.1); c.4359del, p.Val1454fs (NM_001407593.1, NM_001407594.1, NM_001407596.1 and 8 more transcripts); c.4356del, p.Val1453fs (NM_001407610.1, NM_001407611.1, NM_001407612.1 and 7 more transcripts); c.4353del, p.Val1452fs (NM_001407627.1, NM_001407628.1, NM_001407629.1 and 3 more transcripts); and 98 more; short protein forms V1407fs, V1454fs, V1365fs, V1383fs, V1406fs, V1413fs, V1427fs, V1428fs.
Identifiers: ClinVar variation 1739978 (VCV001739978.2), dbSNP rs2551694878, ClinGen allele CA2580094447.

ClinVar aggregate classification (germline): Pathogenic (1 of 4 stars; one submission).

Conditions:
Hereditary cancer-predisposing syndrome. Also called: Hereditary Cancer Syndrome; Hereditary neoplastic syndrome; Neoplastic Syndromes, Hereditary; Tumor predisposition. Identifiers: Orphanet 140162, MedGen C0027672, MeSH D009386, MONDO:0015356.

Submission:

Ambry Genetics
Classification: Pathogenic for Hereditary cancer-predisposing syndrome. Last evaluated: 2019-09-13. Review status: criteria provided, single submitter. Criteria: Ambry Variant Classification Scheme 2023. Collection method: clinical testing. Allele origin: germline.
Comment: The c.4359delA pathogenic mutation, located in coding exon 12 of the BRCA1 gene, results from a deletion of one nucleotide at nucleotide position 4359, causing a translational frameshift with a predicted alternate stop codon (p.V1454Yfs*2). This alteration is expected to result in loss of function by premature protein truncation or nonsense-mediated mRNA decay. As such, this alteration is interpreted as a disease-causing mutation.